The following is an entry in ClinVar:

ClinVar aggregate classification (germline): Pathogenic/Likely pathogenic. Review status: criteria provided, multiple submitters, no conflicts (2 of 4 stars). 9 submissions from 9 submitters: Pathogenic (6); Likely pathogenic (1). 2 of the submissions do not count toward it. Last evaluated 2026-03-25.

Conditions:
DNAH5-related disorders.
Primary ciliary dyskinesia. Also called: Ciliary dyskinesia. Identifiers: Orphanet 244, MedGen C0008780, MONDO:0016575, HP:0012265.
Primary ciliary dyskinesia 3. Identifiers: Orphanet 244, MedGen C1837618, MONDO:0012085, OMIM 608644.

Allele frequency attached by ClinVar (database versions not stated): ExAC 0.00002; gnomAD exomes 0.00002 and 0.00001; TOPMed 0.00002; gnomAD 0.00002; ESP Exome Variant Server 0.00008.
gnomAD v4.1: 20 of 1,613,928 alleles (0.0012%); highest among the groups gnomAD compares: Non-Finnish European, 0.0016%; no homozygotes.

Submissions (9):

GeneDx
Classification: Pathogenic. Last evaluated: 2026-03-25. Review status: criteria provided, single submitter. Criteria: GeneDx Variant Classification Process June 2021. Collection method: clinical testing. Allele origin: germline.
Comment: Nonsense variant predicted to result in protein truncation or nonsense mediated decay in a gene for which loss-of-function is a known mechanism of disease; This variant is associated with the following publications: (PMID: 30067075, 34930662, 31980526, 33098807)

Labcorp Genetics (formerly Invitae), Labcorp
Classification: Pathogenic for Primary ciliary dyskinesia. Last evaluated: 2025-12-01. Review status: criteria provided, single submitter. Criteria: Invitae Variant Classification Sherloc (09022015). Collection method: clinical testing. Allele origin: germline.
Comment: This sequence change creates a premature translational stop signal (p.Trp4206*) in the DNAH5 gene. It is expected to result in an absent or disrupted protein product. Loss-of-function variants in DNAH5 are known to be pathogenic (PMID: 11788826, 16627867). This variant is present in population databases (rs372118787, gnomAD 0.007%). This variant has not been reported in the literature in individuals affected with DNAH5-related conditions. ClinVar contains an entry for this variant (Variation ID: 557901). For these reasons, this variant has been classified as Pathogenic.

Natera, Inc.
Classification: Pathogenic for Primary ciliary dyskinesia. Last evaluated: 2025-04-04. Review status: criteria provided, single submitter. Criteria: Natera Variant Classification Schema (03/2026). Collection method: clinical testing. Allele origin: germline.
Comment: The c.12617G>A variant in DNAH5 is a nonsense variant predicted to introduce a stop codon at amino acid 4206. This variant is expected to result in nonsense mediated decay, truncation, or a dysfunctional protein product. This variant is rare in the general population with a frequency below the threshold expected for the associated phenotype(s). This variant has been observed in one or more individuals affected with the associated recessive disease, as either homozygous or compound heterozygous with a second variant (PMID: 34930662). Given the available evidence, this variant is classified as Pathogenic.

Fulgent Genetics
Classification: Pathogenic for Primary ciliary dyskinesia 3. Last evaluated: 2024-02-03. Review status: criteria provided, single submitter. Criteria: ACMG Guidelines, 2015. Collection method: clinical testing. Allele origin: germline.

HudsonAlpha Institute for Biotechnology
Classification: Pathogenic for Primary ciliary dyskinesia 3. Last evaluated: 2020-09-18. Review status: criteria provided, single submitter. Criteria: ACMG Guidelines, 2015. Collection method: research. Allele origin: maternal. Affected: yes. Observed: 1 compound heterozygote. Study: CSER-SouthSeq.
Comment: ACMG codes:PVS1, PM2, PM3, PP5

Ambry Genetics
Classification: Pathogenic for Primary ciliary dyskinesia. Last evaluated: 2018-05-17. Review status: criteria provided, single submitter. Criteria: Ambry Variant Classification Scheme 2023. Collection method: clinical testing. Allele origin: germline.
Comment: The p.W4206* pathogenic mutation (also known as c.12617G>A), located in coding exon 73 of the DNAH5 gene, results from a G to A substitution at nucleotide position 12617. This changes the amino acid from a tryptophan to a stop codon within coding exon 73. This alteration is expected to result in loss of function by premature protein truncation or nonsense-mediated mRNA decay. As such, this alteration is interpreted as a disease-causing mutation.

Blueprint Genetics
Classification: Likely pathogenic for DNAH5-related disorders. Last evaluated: 2018-03-14. Review status: criteria provided, single submitter. Criteria: ACMG Guidelines, 2015. Collection method: clinical testing. Allele origin: germline. Affected: yes. Observed: 1 variant allele.

Yale Center for Mendelian Genomics, Yale University
Classification: Likely pathogenic for Primary ciliary dyskinesia. Last evaluated: 2018-08-01. Review status: no assertion criteria provided. Collection method: literature only. Allele origin: germline. Affected: yes. Observed: 1 homozygote. Study: Yale Center for Mendelian Genomics. Not counted in ClinVar's aggregate classification.

Counsyl
Classification: Likely pathogenic for Primary ciliary dyskinesia 3. Last evaluated: 2018-04-16. Review status: no assertion criteria provided. Collection method: clinical testing. Allele origin: unknown. Not counted in ClinVar's aggregate classification.

Literature cited by the submitters: PubMed 11788826 (cited by Labcorp Genetics (formerly Invitae), Labcorp); PubMed 16627867 (cited by Labcorp Genetics (formerly Invitae), Labcorp); PubMed 34930662 (cited by Natera, Inc.); PubMed 30067075 (cited by Yale Center for Mendelian Genomics, Yale University).

NM_001369.3(DNAH5):c.12617G>A (p.Trp4206Ter)

Gene: DNAH5 (dynein axonemal heavy chain 5; minus strand). Cytogenetic location: 5p15.2.
Variant type: single nucleotide variant.
Coding change: c.12617G>A on transcript NM_001369.3 (MANE Select); coding-DNA position 12617, G replaced by A.
Protein change: p.Trp4206Ter; replaces tryptophan 4206 with a stop codon.
Molecular consequence: nonsense.
Genome position (GRCh38, 1-based): chr5:13,717,403, C>T on the plus strand (G>A on the coding strand, the complement: DNAH5 is on the minus strand). VCF-style: chr5-13717403-C-T. GRCh37 (hg19) VCF-style: chr5-13717512-C-T.
Other names: short protein forms W4206*.
Identifiers: ClinVar variation 557901 (VCV000557901.18), dbSNP rs372118787, ClinGen allele CA3201583.
Genomic context (GRCh38, chr5:13,717,403, plus strand): 5'-TTTTGGATGAACTGCACAGTGGCATTAAAGTCCGCTTGGTTAAATTCGTAGGGGATATTC[C>T]ACCCCAGGGCACCGAACTTGCGCCTCTCCTGGACAGTGGAGTGCAGGAAAGCCACTGCGT-3'